The following is an entry in ClinVar:

NM_001374736.1(DST):c.3528_3529del (p.Trp1177fs)

Gene: DST (dystonin; minus strand). Cytogenetic location: 6p12.1.
Variant type: Deletion.
Coding change: c.3528_3529del on transcript NM_001374736.1 (MANE Select); coding-DNA positions 3528 to 3529, 2 bases deleted (TT; older notation c.3528_3529delTT).
Protein change: p.Trp1177fs; shifts the reading frame from tryptophan 1177.
Molecular consequence: frameshift variant.
Genome position (GRCh38, 1-based): chr6:56,634,224-56,634,225, AA deleted on the plus strand (TT on the coding strand, the reverse complement: DST is on the minus strand); deleting any 2 consecutive bases within chr6:56,634,224-56,634,226 gives the same sequence; the c. name uses the placement nearest the transcript's 3' end. VCF-style (leftmost placement, unchanged base first): chr6-56634223-CAA-C. GRCh37 (hg19) VCF-style: chr6-56499021-CAA-C.
Other names: c.3429_3430del, p.Trp1144fs (NM_001144769.5); c.3015_3016del, p.Trp1006fs (NM_001144770.2); c.3528_3529del, p.Trp1177fs (NM_001374722.1); c.2895_2896del, p.Trp966fs (NM_001374729.1, NM_001374730.1, NM_001386100.1 and 1 more transcripts); c.3555_3556del, p.Trp1186fs (NM_001374734.1); c.1917_1918del, p.Trp640fs (NM_001723.7, NM_015548.5); short protein forms W1177fs, W640fs, W1006fs, W1186fs, W966fs, W1144fs.
Identifiers: ClinVar variation 4785216 (VCV004785216.1).

ClinVar aggregate classification (germline): Pathogenic (1 of 4 stars; one submission).

Conditions:
Epidermolysis bullosa simplex 3, localized or generalized intermediate, with BP230 deficiency (EBS3). Also called: Epidermolysis bullosa simplex, autosomal recessive 2; Epidermolysis bullosa simplex due to BP230 deficiency. Identifiers: Orphanet 412181, MedGen C3809470, MONDO:0014180, OMIM 615425.
Hereditary sensory and autonomic neuropathy type 6. Also called: HSAN VI; Neuropathy, hereditary sensory and autonomic, type VI. Identifiers: Orphanet 314381, MedGen C3539003, MONDO:0013839, OMIM 614653.

Submission:

Labcorp Genetics (formerly Invitae), Labcorp
Classification: Pathogenic for Epidermolysis bullosa simplex 3, localized or generalized intermediate, with BP230 deficiency; Hereditary sensory and autonomic neuropathy type 6. Last evaluated: 2025-12-24. Review status: criteria provided, single submitter. Criteria: Invitae Variant Classification Sherloc (09022015). Collection method: clinical testing. Allele origin: germline.
Comment: This sequence change creates a premature translational stop signal (p.Trp640Alafs*2) in the DST gene. It is expected to result in an absent or disrupted protein product. Loss-of-function variants in DST are known to be pathogenic (PMID: 22522446, 25059916, 30371979). This variant is not present in population databases (gnomAD no frequency). This variant has not been reported in the literature in individuals affected with DST-related conditions. For these reasons, this variant has been classified as Pathogenic.

Literature cited by the submitters: PubMed 22522446; PubMed 25059916; PubMed 30371979.